The following is an entry in ClinVar:

ClinVar aggregate classification (germline): Uncertain significance. Review status: criteria provided, multiple submitters, no conflicts (2 of 4 stars). 2 submissions from 2 submitters: Uncertain significance (2). Last evaluated 2025-09-26.

Conditions:
Early-infantile DEE. Also called: Early infantile epileptic encephalopathy; Ohtahara syndrome; Early infantile epileptic encephalopathy with suppression bursts. Identifiers: Orphanet 1934, MedGen C0393706, MONDO:0800491.

gnomAD v4.1: 1 of 1,610,820 alleles (0.000062%); highest among the groups gnomAD compares: Middle Eastern, 0.017%; no homozygotes.

Submissions (2):

Dasa
Classification: Uncertain significance. Last evaluated: 2025-09-26. Review status: criteria provided, single submitter. Criteria: DASA Assertion Criteria. Collection method: clinical testing. Allele origin: germline.
Comment: NM_139318.5(KCNH5):c.137G>T (p.Gly46Val) is a missense variant that results in the substitution of glycine with valine. This variant is rare in population databases. Computational prediction algorithms are consistent with a deleterious effect. The currently available literature and clinical evidence are not sufficient to establish a definitive association between this variant and the reported condition. Therefore, this variant is classified as a variant of uncertain significance.

Labcorp Genetics (formerly Invitae), Labcorp
Classification: Uncertain significance for Early-infantile DEE. Last evaluated: 2025-07-21. Review status: criteria provided, single submitter. Criteria: Invitae Variant Classification Sherloc (09022015). Collection method: clinical testing. Allele origin: germline.
Comment: This sequence change replaces glycine, which is neutral and non-polar, with valine, which is neutral and non-polar, at codon 46 of the KCNH5 protein (p.Gly46Val). This variant is not present in population databases (gnomAD no frequency). This variant has not been reported in the literature in individuals affected with KCNH5-related conditions. ClinVar contains an entry for this variant (Variation ID: 3002687). Invitae Evidence Modeling of protein sequence and biophysical properties (such as structural, functional, and spatial information, amino acid conservation, physicochemical variation, residue mobility, and thermodynamic stability) indicates that this missense variant is expected to disrupt KCNH5 protein function with a positive predictive value of 80%. In summary, the available evidence is currently insufficient to determine the role of this variant in disease. Therefore, it has been classified as a Variant of Uncertain Significance.

NM_139318.5(KCNH5):c.137G>T (p.Gly46Val)

Gene: KCNH5 (potassium voltage-gated channel subfamily H member 5; minus strand). Cytogenetic location: 14q23.2.
Variant type: single nucleotide variant.
Coding change: c.137G>T on transcript NM_139318.5 (MANE Select); coding-DNA position 137, G replaced by T.
Protein change: p.Gly46Val; replaces glycine 46 with valine.
Molecular consequence: missense variant.
Genome position (GRCh38, 1-based): chr14:63,016,891, C>A on the plus strand (G>T on the coding strand, the complement: KCNH5 is on the minus strand). VCF-style: chr14-63016891-C-A. GRCh37 (hg19) VCF-style: chr14-63483609-C-A.
Other names: c.137G>T, p.Gly46Val (NM_172375.3); short protein forms G46V.
Identifiers: ClinVar variation 3002687 (VCV003002687.5), dbSNP rs756167787, ClinGen allele CA390106390.
Genomic context (GRCh38, chr14:63,016,891, plus strand): 5'-CTGCAAGTGCTGCTTTTCTGCATGACGTCAGCTCGATGATATCCAGAGAGTTTACAAAAA[C>A]CGTCATTACTATAAACTACAGGCCAATCCACAATCTGGGCATTTCCCAGTAAGAAACTTG-3'
Protein context (NP_647479.2, residues 36-56): VDWPVVYSND[Gly46Val]FCKLSGYHRA